The following is an entry in ClinVar:

NM_032043.3(BRIP1):c.507+16T>C

Gene: BRIP1 (BRCA1 interacting DNA helicase 1; minus strand). Cytogenetic location: 17q23.2.
Variant type: single nucleotide variant.
Coding change: c.507+16T>C on transcript NM_032043.3 (MANE Select); 16 bases into the intron after coding-DNA position 507, T replaced by C.
Molecular consequence: intron variant.
Genome position (GRCh38, 1-based): chr17:61,849,113, A>G on the plus strand (T>C on the coding strand, the complement: BRIP1 is on the minus strand). VCF-style: chr17-61849113-A-G. GRCh37 (hg19) VCF-style: chr17-59926474-A-G.
Other names: c.507+16T>C (NM_032043.2).
Identifiers: ClinVar variation 1913018 (VCV001913018.6), dbSNP rs2145760739, ClinGen allele CA2576345224.

ClinVar aggregate classification (germline): Conflicting classifications of pathogenicity. Review status: criteria provided, conflicting classifications (1 of 4 stars). 2 submissions from 2 submitters: Uncertain significance (1); Likely benign (1). Last evaluated 2025-08-07.

Conditions:
Familial cancer of breast. Also called: BREAST CANCER, FAMILIAL; hereditary breast carcinoma; Hereditary breast cancer. Identifiers: Orphanet 227535, MedGen C0346153, MONDO:0016419, OMIM 114480. Disease mechanism: loss of function.
Fanconi anemia complementation group J. Also called: BRIP1-Related Fanconi Anemia. Identifiers: Orphanet 84, MedGen C1836860, MONDO:0012187, OMIM 609054.
Hereditary cancer-predisposing syndrome. Also called: Neoplastic Syndromes, Hereditary; Tumor predisposition; Hereditary neoplastic syndrome; Hereditary Cancer Syndrome. Identifiers: Orphanet 140162, MedGen C0027672, MeSH D009386, MONDO:0015356.

Allele frequency attached by ClinVar (database versions not stated): gnomAD exomes below 0.00001.
gnomAD v4.1: 1 of 1,613,444 alleles (0.000062%); highest among the groups gnomAD compares: Non-Finnish European, 0.000085%; no homozygotes.

Submissions (2):

Labcorp Genetics (formerly Invitae), Labcorp
Classification: Likely benign for Familial cancer of breast; Fanconi anemia complementation group J. Last evaluated: 2025-08-07. Review status: criteria provided, single submitter. Criteria: Invitae Variant Classification Sherloc (09022015). Collection method: clinical testing. Allele origin: germline.

Ambry Genetics
Classification: Uncertain significance for Hereditary cancer-predisposing syndrome. Last evaluated: 2015-04-20. Review status: criteria provided, single submitter. Criteria: Ambry Variant Classification Scheme 2023. Collection method: clinical testing. Allele origin: germline.
Comment: The c.507+16T>C intronic alteration consists of a T to C substitution 6 nucleotides after coding exon 4 in the BRIP1 gene. Based on insufficient or conflicting evidence, the clinical significance of this alteration remains unclear.